The following is an entry in ClinVar:

NM_001009944.3(PKD1):c.4241G>C (p.Trp1414Ser)

Gene: PKD1 (polycystin 1, transient receptor potential channel interacting; minus strand). Cytogenetic location: 16p13.3.
Variant type: single nucleotide variant.
Coding change: c.4241G>C on transcript NM_001009944.3 (MANE Select); coding-DNA position 4241, G replaced by C.
Protein change: p.Trp1414Ser; replaces tryptophan 1414 with serine.
Molecular consequence: missense variant.
Genome position (GRCh38, 1-based): chr16:2,110,926, C>G on the plus strand (G>C on the coding strand, the complement: PKD1 is on the minus strand). VCF-style: chr16-2110926-C-G. GRCh37 (hg19) VCF-style: chr16-2160927-C-G.
Other names: c.4241G>C, p.Trp1414Ser (NM_000296.4); short protein forms W1414S.
Identifiers: ClinVar variation 1687410 (VCV001687410.1), dbSNP rs2151798259, ClinGen allele CA394381048.

ClinVar aggregate classification (germline): Likely pathogenic (1 of 4 stars; one submission).

Conditions:
Polycystic kidney disease, adult type (PKD1). Also called: POLYCYSTIC KIDNEY DISEASE, ADULT, TYPE I; Polycystic Kidney, Autosomal Dominant; POLYCYSTIC KIDNEY DISEASE 1 WITH OR WITHOUT POLYCYSTIC LIVER DISEASE; Polycystic Kidney Disease 1, Autosomal Dominant; Polycystic kidney disease 1; Polycystic kidney disease 1, severe. Identifiers: MedGen C3149841, MONDO:0008263, OMIM 173900.

Submission:

3billion
Classification: Likely pathogenic for Polycystic kidney disease, adult type. Last evaluated: 2022-05-22. Review status: criteria provided, single submitter. Criteria: ACMG Guidelines, 2015. Collection method: clinical testing. Allele origin: germline. Affected: yes. Observed: 1 heterozygote.
Comment: The variant is not observed in the gnomAD v2.1.1 dataset. Protein truncation variants are a common disease-causing mechanism. In silico tool predictions suggest damaging effect of the variant on gene or gene product (REVEL: 0.79; 3Cnet: 0.53). Same nucleotide change resulting in same amino acid change has been previously reported to be associated with PKD1 related disorder (PMID: 31740684). The variant has been observed in at least two similarly affected unrelated individuals (PMID:31740684). Therefore, this variant is classified as likely pathogenic according to the recommendation of ACMG/AMP guideline.

Literature cited by the submitters: PubMed 31740684.